The following is an entry in ClinVar:

NM_000138.5(FBN1):c.7330+1G>T

Gene: FBN1 (fibrillin 1; minus strand). Cytogenetic location: 15q21.1.
Variant type: single nucleotide variant.
Coding change: c.7330+1G>T on transcript NM_000138.5 (MANE Select); the canonical splice donor site of the intron after coding-DNA position 7330, G replaced by T.
Molecular consequence: splice donor variant.
Genome position (GRCh38, 1-based): chr15:48,425,738, C>A on the plus strand (G>T on the coding strand, the complement: FBN1 is on the minus strand). VCF-style: chr15-48425738-C-A. GRCh37 (hg19) VCF-style: chr15-48717935-C-A.
Other names: c.7330+1G>T (NM_001406716.1, NM_000138.4).
Identifiers: ClinVar variation 2925533 (VCV002925533.5), dbSNP rs1555394433, ClinGen allele CA392328476.

ClinVar aggregate classification (germline): Pathogenic/Likely pathogenic. Review status: criteria provided, multiple submitters, no conflicts (2 of 4 stars). 3 submissions from 3 submitters: Pathogenic (2); Likely pathogenic (1). Last evaluated 2025-06-17.

Conditions:
Familial thoracic aortic aneurysm and aortic dissection (TAAD). Also called: Thoracic aortic aneurysms and dissections. Identifiers: Orphanet 91387, MedGen C4707243, MONDO:0019625.
Marfan syndrome (MFS). Also called: MARFAN SYNDROME, TYPE I; Marfan syndrome type 1; Marfan's syndrome; Marfan syndrome, classic; FBN1-Related Marfan Syndrome. Identifiers: Orphanet 284963, Orphanet 558, MedGen C0024796, MONDO:0007947, OMIM 154700.

Submissions (3):

Human Genetics Bochum, Ruhr University Bochum
Classification: Pathogenic for Marfan syndrome. Last evaluated: 2025-06-17. Review status: criteria provided, single submitter. Criteria: ACMG Guidelines, 2015. Collection method: clinical testing. Allele origin: germline. Affected: yes.
Comment: ACMG criteria used to clasify this variant: PVS1, PM1, PS3_SUP, PM2_SUP

Ambry Genetics
Classification: Likely pathogenic for Familial thoracic aortic aneurysm and aortic dissection. Last evaluated: 2025-01-17. Review status: criteria provided, single submitter. Criteria: Ambry Variant Classification Scheme 2023. Collection method: clinical testing. Allele origin: germline.
Comment: The c.7330+1G>T intronic variant results from a G to T substitution one nucleotide after coding exon 58 of the FBN1 gene. Alterations that disrupt the canonical splice site are expected to result in aberrant splicing. In silico splice site analysis predicts that this alteration will weaken the native splice donor site and will result in the creation or strengthening of a novel splice donor site. A resulting transcript is predicted to be in-frame and is not expected to trigger nonsense-mediated mRNAdecay; although, direct evidence is unavailable. However, the region predicted to be impacted is critical for protein function (Ambry internal data). This variant was reported in individual(s) with features consistent with Marfan syndrome (Arbustini E et al. Hum Mutat, 2005 Nov;26:494). This variant is considered to be rare based on population cohorts in the Genome Aggregation Database (gnomAD). This nucleotide position is highly conserved in available vertebrate species. Based on the majority of available evidence to date, this variant is likely to be pathogenic.

Labcorp Genetics (formerly Invitae), Labcorp
Classification: Pathogenic for Marfan syndrome; Familial thoracic aortic aneurysm and aortic dissection. Last evaluated: 2024-09-27. Review status: criteria provided, single submitter. Criteria: Invitae Variant Classification Sherloc (09022015). Collection method: clinical testing. Allele origin: germline.
Comment: This sequence change affects a donor splice site in intron 59 of the FBN1 gene. It is expected to disrupt RNA splicing. Variants that disrupt the donor or acceptor splice site typically lead to a loss of protein function (PMID: 16199547), and loss-of-function variants in FBN1 are known to be pathogenic (PMID: 17657824, 19293843). This variant is not present in population databases (gnomAD no frequency). Disruption of this splice site has been observed in individuals with Marfan syndrome (PMID: 16222657, 18435798). Algorithms developed to predict the effect of sequence changes on RNA splicing suggest that this variant may disrupt the consensus splice site. For these reasons, this variant has been classified as Pathogenic.

Literature cited by the submitters: PubMed 16222657 (cited by Ambry Genetics and Labcorp Genetics (formerly Invitae), Labcorp); PubMed 16199547 (cited by Labcorp Genetics (formerly Invitae), Labcorp); PubMed 17657824 (cited by Labcorp Genetics (formerly Invitae), Labcorp); PubMed 19293843 (cited by Labcorp Genetics (formerly Invitae), Labcorp); PubMed 18435798 (cited by Labcorp Genetics (formerly Invitae), Labcorp).